The following is an entry in ClinVar:

ClinVar aggregate classification (germline): Uncertain significance (1 of 4 stars; one submission).

Conditions:
Hereditary cancer-predisposing syndrome. Also called: Neoplastic Syndromes, Hereditary; Tumor predisposition; Hereditary neoplastic syndrome; Hereditary Cancer Syndrome. Identifiers: Orphanet 140162, MedGen C0027672, MeSH D009386, MONDO:0015356.

Submission:

Ambry Genetics
Classification: Uncertain significance for Hereditary cancer-predisposing syndrome. Last evaluated: 2023-12-31. Review status: criteria provided, single submitter. Criteria: Ambry Variant Classification Scheme 2023. Collection method: clinical testing. Allele origin: germline.
Comment: The p.D706V variant (also known as c.2117A>T), located in coding exon 14 of the PDGFRA gene, results from an A to T substitution at nucleotide position 2117. The aspartic acid at codon 706 is replaced by valine, an amino acid with highly dissimilar properties. This amino acid position is conserved. In addition, this alteration is predicted to be deleterious by in silico analysis. Since supporting evidence is limited at this time, the clinical significance of this alteration remains unclear.

NM_006206.6(PDGFRA):c.2117A>T (p.Asp706Val)

Gene: PDGFRA (platelet derived growth factor receptor alpha; plus strand). Cytogenetic location: 4q12.
Variant type: single nucleotide variant.
Coding change: c.2117A>T on transcript NM_006206.6 (MANE Select); coding-DNA position 2117, A replaced by T.
Protein change: p.Asp706Val; replaces aspartic acid 706 with valine.
Molecular consequence: missense variant.
Genome position (GRCh38, 1-based): chr4:54,278,476, A>T. VCF-style: chr4-54278476-A-T. GRCh37 (hg19) VCF-style: chr4-55144643-A-T.
Other names: c.2117A>T, p.Asp706Val (NM_001347827.2, NM_001347829.2); c.2192A>T, p.Asp731Val (NM_001347828.2); c.2156A>T, p.Asp719Val (NM_001347830.2); short protein forms D706V, D719V, D731V.
Identifiers: ClinVar variation 3225278 (VCV003225278.1), dbSNP rs764225560, ClinGen allele CA356894087.
Genomic context (GRCh38, chr4:54,278,476, plus strand): 5'-TGCATAAGAATAGGGATAGCTTCCTGAGCCACCACCCAGAGAAGCCAAAGAAAGAGCTGG[A>T]TATCTTTGGATTGAACCCTGCTGATGAAAGCACACGGAGGTGGGTGCAAAGAGAGATGTT-3'
Protein context (NP_006197.1, residues 696-716): HHPEKPKKEL[Asp706Val]IFGLNPADES